The following is an entry in ClinVar:

ClinVar aggregate classification (germline): Uncertain significance. Review status: criteria provided, multiple submitters, no conflicts (2 of 4 stars). 2 submissions from 2 submitters: Uncertain significance (2). Last evaluated 2024-12-09.

Allele frequency attached by ClinVar (database versions not stated): gnomAD 0.00001; TOPMed 0.00001.
gnomAD v4.1: 31 of 1,613,300 alleles (0.0019%); highest among the groups gnomAD compares: Non-Finnish European, 0.0026%; no homozygotes.

Submissions (2):

Labcorp Genetics (formerly Invitae), Labcorp
Classification: Uncertain significance. Last evaluated: 2024-12-09. Review status: criteria provided, single submitter. Criteria: Invitae Variant Classification Sherloc (09022015). Collection method: clinical testing. Allele origin: germline.
Comment: This sequence change replaces glutamine, which is neutral and polar, with glutamic acid, which is acidic and polar, at codon 143 of the DGKE protein (p.Gln143Glu). This variant is present in population databases (no rsID available, gnomAD 0.004%). This variant has not been reported in the literature in individuals affected with DGKE-related conditions. ClinVar contains an entry for this variant (Variation ID: 2071220). Invitae Evidence Modeling of protein sequence and biophysical properties (such as structural, functional, and spatial information, amino acid conservation, physicochemical variation, residue mobility, and thermodynamic stability) indicates that this missense variant is not expected to disrupt DGKE protein function with a negative predictive value of 80%. In summary, the available evidence is currently insufficient to determine the role of this variant in disease. Therefore, it has been classified as a Variant of Uncertain Significance.

Blueprint Genetics
Classification: Uncertain significance. Last evaluated: 2024-09-30. Review status: criteria provided, single submitter. Criteria: ACMG Guidelines, 2015. Collection method: clinical testing. Allele origin: germline.

NM_003647.3(DGKE):c.427C>G (p.Gln143Glu)

Gene: DGKE (diacylglycerol kinase epsilon; plus strand). Cytogenetic location: 17q22.
Variant type: single nucleotide variant.
Coding change: c.427C>G on transcript NM_003647.3 (MANE Select); coding-DNA position 427, C replaced by G.
Protein change: p.Gln143Glu; replaces glutamine 143 with glutamic acid.
Molecular consequence: missense variant.
Genome position (GRCh38, 1-based): chr17:56,835,222, C>G. VCF-style: chr17-56835222-C-G. GRCh37 (hg19) VCF-style: chr17-54912583-C-G.
Other names: short protein forms Q143E.
Identifiers: ClinVar variation 2071220 (VCV002071220.4), dbSNP rs1340500871, ClinGen allele CA399922648.